The following is an entry in ClinVar:

NM_001267550.2(TTN):c.53287+1G>A

Genes: TTN (titin; minus strand), TTN-AS1 (TTN antisense RNA 1; plus strand), LOC126806425 (BRD4-independent group 4 enhancer GRCh37_chr2:179471933-179473132; plus strand). Cytogenetic location: 2q31.2.
Variant type: single nucleotide variant.
Coding change: c.53287+1G>A on transcript NM_001267550.2 (MANE Select); the canonical splice donor site of the intron after coding-DNA position 53287, G replaced by A.
Molecular consequence: splice donor variant.
Genome position (GRCh38, 1-based): chr2:178,607,400, C>T on the plus strand (G>A on the coding strand, the complement: TTN is on the minus strand). VCF-style: chr2-178607400-C-T. GRCh37 (hg19) VCF-style: chr2-179472127-C-T.
Other names: c.26092+1G>A (NM_003319.4); c.26668+1G>A (NM_133437.4); c.26467+1G>A (NM_133432.3); c.45583+1G>A (NM_133378.4); c.48364+1G>A (NM_001256850.1).
Identifiers: ClinVar variation 579651 (VCV000579651.18), dbSNP rs1064794266, ClinGen allele CA349565478.
Genomic context (GRCh38, chr2:178,607,400, plus strand): 5'-CAATGTAATAAGATAGTATCACTTGGGAAAATCCTGTGAAAATCAGTGCAACATTCCTTA[C>T]CAAAAACTTCTACCCTGGCTGCTGCAAATTTGGAACCACAGCTATTTGTAGCTGTAATCA-3'

ClinVar aggregate classification (germline): Conflicting classifications of pathogenicity. Review status: criteria provided, conflicting classifications (1 of 4 stars). 3 submissions from 3 submitters: Pathogenic (1); Uncertain significance (2). Last evaluated 2026-08-18.

Conditions:
Autosomal recessive limb-girdle muscular dystrophy type 2J (LGMDR10). Also called: Limb-girdle muscular dystrophy, type 2J; MUSCULAR DYSTROPHY, LIMB-GIRDLE, AUTOSOMAL RECESSIVE 10. Identifiers: Orphanet 140922, MedGen C1837342, MONDO:0012127, OMIM 608807.
Dilated cardiomyopathy 1G (CMD1G). Identifiers: Orphanet 154, MedGen C1858763, MONDO:0011400, OMIM 604145.
Cardiovascular phenotype. Identifiers: MedGen CN230736.

gnomAD v4.1: 1 of 1,613,018 alleles (0.000062%); no homozygotes.

Submissions (3):

Ambry Genetics
Classification: Uncertain significance for Cardiovascular phenotype. Last evaluated: 2026-08-18. Review status: criteria provided, single submitter. Criteria: Ambry Variant Classification Scheme 2023. Collection method: clinical testing. Allele origin: germline.
Comment: The c.26092+1G>A intronic variant results from a G to A substitution one nucleotide after coding exon 104 of the TTN gene. This exon is located in the A-band region of the N2-B isoform of the titin protein and is constitutively expressed in TTN transcripts (percent spliced in or PSI 100%). This variant was reported in individual(s) with features consistent with dilated cardiomyopathy (DCM) (Akhtar MM et al. Circ Heart Fail, 2020 Oct;13:e006832). This variant disrupts the canonical splice site and is expected to cause aberrant splicing. However, although direct evidence is unavailable, this variant is predicted to result in an in-frame transcript that is not expected to trigger nonsense-mediated mRNA decay. The exact functional effect of the predicted splice impact is unknown. Based on the available evidence, the clinical significance of this variant remains unclear.

Labcorp Genetics (formerly Invitae), Labcorp
Classification: Pathogenic for Dilated cardiomyopathy 1G; Autosomal recessive limb-girdle muscular dystrophy type 2J. Last evaluated: 2025-05-12. Review status: criteria provided, single submitter. Criteria: Invitae Variant Classification Sherloc (09022015). Collection method: clinical testing. Allele origin: germline.
Comment: This sequence change affects a donor splice site in intron 277 of the TTN gene. It is expected to disrupt RNA splicing and likely results in a truncated or disrupted TTN protein. This variant is not present in population databases (gnomAD no frequency). Disruption of this splice site has been observed in individuals with dilated cardiomyopathy (PMID: 22335739, 32964742; internal data). ClinVar contains an entry for this variant (Variation ID: 579651). Algorithms developed to predict the effect of sequence changes on RNA splicing suggest that this variant may disrupt the consensus splice site. This variant is located in the A band of TTN (PMID: 25589632). Truncating variants in this region are significantly overrepresented in patients affected with dilated cardiomyopathy (PMID: 25589632). Truncating variants in this region have also been reported in individuals affected with autosomal recessive centronuclear myopathy (PMID: 23975875). For these reasons, this variant has been classified as Pathogenic.

Laboratory for Molecular Medicine, Mass General Brigham Personalized Medicine
Classification: Uncertain significance. Last evaluated: 2019-01-21. Review status: criteria provided, single submitter. Criteria: LMM Criteria. Collection method: clinical testing. Allele origin: germline. Observed: 1 variant allele.
Comment: proposed classification - variant undergoing re-assessment, contact laboratory

Literature cited by the submitters: PubMed 22335739 (cited by 3 submitters); PubMed 32964742 (cited by Ambry Genetics and Labcorp Genetics (formerly Invitae), Labcorp); PubMed 25589632 (cited by Labcorp Genetics (formerly Invitae), Labcorp); PubMed 23975875 (cited by Labcorp Genetics (formerly Invitae), Labcorp).